The following is an entry in ClinVar:

NC_012920.1(MT-TK):m.8319A>G

Gene: MT-TK (mitochondrially encoded tRNA lysine; plus strand).
Variant type: single nucleotide variant.
Genome position: chrM-8319-A-G.
Identifiers: ClinVar variation 690070 (VCV000690070.3), dbSNP rs1603221401, ClinGen allele CA913178950.

ClinVar aggregate classification (germline): Uncertain significance. Review status: reviewed by expert panel (3 of 4 stars). 3 submissions from 3 submitters: Uncertain significance (1). 2 of the submissions do not count toward it. Last evaluated 2024-11-11.

Conditions:
Mitochondrial disease. Also called: Mitochondrial disorder; Mitochondrial disorders. Identifiers: Orphanet 68380, MedGen C0751651, MeSH D028361, MONDO:0044970.
MELAS syndrome (MELAS). Also called: Juvenile myopathy, encephalopathy, lactic acidosis, stroke. Identifiers: Orphanet 550, MedGen C0162671, MONDO:0010789, OMIM 540000.
Kearns-Sayre syndrome. Also called: CHRONIC PROGRESSIVE EXTERNAL OPHTHALMOPLEGIA WITH MYOPATHY; CPEO WITH MYOPATHY; Chronic progressive external ophthalmoplegia with myopathy, somatic; Kearns-Sayre Syndrome (KSS); Ophthalmoplegia plus syndrome; Ophthalmoplegia, progressive external, with ragged red fibers. Identifiers: Orphanet 480, MedGen C0022541, MONDO:0010787, OMIM 530000.

Submissions (3):

ClinGen Mitochondrial Disease Nuclear and Mitochondrial  Variant Curation Expert Panel, ClinGen
Classification: Uncertain significance for Mitochondrial disease. Last evaluated: 2024-11-11. Review status: reviewed by expert panel. Criteria: clingen mito disease acmg specifications v1-1. Collection method: curation. Allele origin: germline. Inheritance: Mitochondrial inheritance.
Comment: The m.8319A>G variant in MT-TK has been reported in one individual with primary mitochondrial disease to date (PMID: 23463613; also likely same case reported in PMID: 31965079), in a person with Kearns Sayre syndrome (KSS) with the variant present at 87% in muscle. The variant was undetectable in blood from the healthy mother (PM6_supporting). There are no reports of additional families with this variant segregating with clinical manifestations. This variant is absent in the GenBank dataset, Helix dataset, and gnomAD v3.1.2 (PM2_supporting). In silico predictors are conflicting as the computational predictor MitoTIP suggests this variant is possibly pathogenic (69.6 percentile) but HmtVAR predicts it to be likely benign with a score of 0.25. There are no cybrids, single fiber studies, or other functional assays reported on this variant. In summary, this variant meets criteria to be classified as uncertain significance for primary mitochondrial disease inherited in a mitochondrial manner. This classification was approved by the NICHD/NINDS U24 ClinGen Mitochondrial Disease Variant Curation Expert Panel on November 11, 2024. Mitochondrial DNA-specific ACMG/AMP criteria applied (PMID: 32906214): PM2_supporting, PM6_supporting.

MGZ Medical Genetics Center
Classification: Uncertain significance for Kearns-Sayre syndrome. Last evaluated: 2022-02-25. Review status: criteria provided, single submitter. Criteria: ACMG Guidelines, 2015. Collection method: clinical testing. Allele origin: germline. Affected: yes. Observed: 1 variant allele. Not counted in ClinVar's aggregate classification.
Comment: ACMG criteria applied: PM2_SUP, PP3

Wong Mito Lab, Molecular and Human Genetics, Baylor College of Medicine
Classification: Likely pathogenic for MELAS syndrome. Last evaluated: 2019-07-12. Review status: criteria provided, single submitter. Criteria: Modified ACMG Guidelines (Unpublished). Collection method: clinical testing. Allele origin: germline. Not counted in ClinVar's aggregate classification.
Comment: The NC_012920.1:m.8319A>G variant in MT-TK gene is interpreted to be a Likely Pathogenic variant based on the modified ACMG guidelines (unpublished). This variant meets the following evidence codes reported in the guidelines: PM2, PM9, PP3, PP6

Literature cited by the submitters: PubMed 31965079 (cited by Wong Mito Lab, Molecular and Human Genetics, Baylor College of Medicine).